The following is an entry in ClinVar:

ClinVar aggregate classification (germline): Uncertain significance (1 of 4 stars; one submission).

Conditions:
Bardet-Biedl syndrome (BBS). Identifiers: Orphanet 110, MedGen C0752166, MONDO:0015229.

gnomAD v4.1: 1 of 1,614,230 alleles (0.000062%); highest among the groups gnomAD compares: Non-Finnish European, 0.000085%; no homozygotes.

Submission:

Labcorp Genetics (formerly Invitae), Labcorp
Classification: Uncertain significance for Bardet-Biedl syndrome. Last evaluated: 2021-08-08. Review status: criteria provided, single submitter. Criteria: Invitae Variant Classification Sherloc (09022015). Collection method: clinical testing. Allele origin: germline.
Comment: This sequence change replaces valine with isoleucine at codon 469 of the BBS12 protein (p.Val469Ile). The valine residue is highly conserved and there is a small physicochemical difference between valine and isoleucine. This variant is not present in population databases (ExAC no frequency). This variant has not been reported in the literature in individuals affected with BBS12-related conditions. Algorithms developed to predict the effect of missense changes on protein structure and function output the following: SIFT: "Tolerated"; PolyPhen-2: "Benign"; Align-GVGD: "Class C0". The isoleucine amino acid residue is found in multiple mammalian species, which suggests that this missense change does not adversely affect protein function. In summary, the available evidence is currently insufficient to determine the role of this variant in disease. Therefore, it has been classified as a Variant of Uncertain Significance.

NM_152618.3(BBS12):c.1405G>A (p.Val469Ile)

Gene: BBS12 (Bardet-Biedl syndrome 12; plus strand). Cytogenetic location: 4q27.
Variant type: single nucleotide variant.
Coding change: c.1405G>A on transcript NM_152618.3 (MANE Select); coding-DNA position 1405, G replaced by A.
Protein change: p.Val469Ile; replaces valine 469 with isoleucine.
Molecular consequence: missense variant.
Genome position (GRCh38, 1-based): chr4:122,743,297, G>A. VCF-style: chr4-122743297-G-A. GRCh37 (hg19) VCF-style: chr4-123664452-G-A.
Other names: c.1405G>A, p.Val469Ile (NM_001178007.2); short protein forms V469I.
Identifiers: ClinVar variation 1505430 (VCV001505430.3), dbSNP rs756359668, ClinGen allele CA358225043.
Genomic context (GRCh38, chr4:122,743,297, plus strand): 5'-GCAGGAGCAGTACAGGTGGCCTACATTACACAAGTGAATGAAGATTGTGTGGGCGACGGG[G>A]TCTGCGTGACCTTCTGGAGAAGCAGCCCTTTGGATGTTGTAGATAGGAACAACAGAATCG-3'
Protein context (NP_689831.2, residues 459-479): QVNEDCVGDG[Val469Ile]CVTFWRSSPL